The following is an entry in ClinVar:

ClinVar aggregate classification (germline): Uncertain significance (1 of 4 stars; one submission).

Conditions:
EAST syndrome (SESAMES). Also called: SEIZURES, SENSORINEURAL DEAFNESS, ATAXIA, IMPAIRED INTELLECTUAL DEVELOPMENT, AND ELECTROLYTE IMBALANCE. Identifiers: Orphanet 199343, MedGen C2748572, MONDO:0013005, OMIM 612780.

Allele frequency attached by ClinVar (database versions not stated): gnomAD 0.00001; TOPMed 0.00001.
gnomAD v4.1: 1 of 1,614,036 alleles (0.000062%); highest among the groups gnomAD compares: Non-Finnish European, 0.000085%; no homozygotes.

Submission:

Labcorp Genetics (formerly Invitae), Labcorp
Classification: Uncertain significance for EAST syndrome. Last evaluated: 2024-10-15. Review status: criteria provided, single submitter. Criteria: Invitae Variant Classification Sherloc (09022015). Collection method: clinical testing. Allele origin: germline.
Comment: This sequence change replaces isoleucine, which is neutral and non-polar, with asparagine, which is neutral and polar, at codon 282 of the KCNJ10 protein (p.Ile282Asn). This variant is not present in population databases (gnomAD no frequency). This variant has not been reported in the literature in individuals affected with KCNJ10-related conditions. ClinVar contains an entry for this variant (Variation ID: 835600). Invitae Evidence Modeling of protein sequence and biophysical properties (such as structural, functional, and spatial information, amino acid conservation, physicochemical variation, residue mobility, and thermodynamic stability) indicates that this missense variant is expected to disrupt KCNJ10 protein function with a positive predictive value of 95%. In summary, the available evidence is currently insufficient to determine the role of this variant in disease. Therefore, it has been classified as a Variant of Uncertain Significance.

NM_002241.5(KCNJ10):c.845T>A (p.Ile282Asn)

Gene: KCNJ10 (potassium inwardly rectifying channel subfamily J member 10; minus strand). Cytogenetic location: 1q23.2.
Variant type: single nucleotide variant.
Coding change: c.845T>A on transcript NM_002241.5 (MANE Select); coding-DNA position 845, T replaced by A.
Protein change: p.Ile282Asn; replaces isoleucine 282 with asparagine.
Molecular consequence: missense variant.
Genome position (GRCh38, 1-based): chr1:160,041,688, A>T on the plus strand (T>A on the coding strand, the complement: KCNJ10 is on the minus strand). VCF-style: chr1-160041688-A-T. GRCh37 (hg19) VCF-style: chr1-160011478-A-T.
Other names: short protein forms I282N.
Identifiers: ClinVar variation 835600 (VCV000835600.10), dbSNP rs985870982, ClinGen allele CA31470429.